The following is an entry in ClinVar:

ClinVar aggregate classification (germline): Uncertain significance. Review status: criteria provided, multiple submitters, no conflicts (2 of 4 stars). 2 submissions from 2 submitters: Uncertain significance (2). Last evaluated 2024-11-08.

Conditions:
Inborn genetic diseases. Identifiers: MedGen C0950123, MeSH D030342.
Woodhouse-Sakati syndrome. Also called: Hypogonadism, Alopecia, Diabetes Mellitus, Mental Retardation, and Extrapyramidal Syndrome; EXTRAPYRAMIDAL DISORDER, PROGRESSIVE, WITH PRIMARY HYPOGONADISM, MENTAL RETARDATION, AND ALOPECIA; Hypogonadism, diabetes mellitus, alopecia, mental retardation and electrocardiographic abnormalities. Identifiers: Orphanet 3464, MedGen C0342286, MONDO:0009419, OMIM 241080.

Allele frequency attached by ClinVar (database versions not stated): ExAC 0.00001; TOPMed 0.00001; gnomAD 0.00002; gnomAD exomes 0.00003.
gnomAD v4.1: 52 of 1,608,666 alleles (0.0032%); highest among the groups gnomAD compares: Non-Finnish European, 0.004%; no homozygotes.

Submissions (2):

Ambry Genetics
Classification: Uncertain significance for Inborn genetic diseases. Last evaluated: 2024-11-08. Review status: criteria provided, single submitter. Criteria: Ambry Variant Classification Scheme 2023. Collection method: clinical testing. Allele origin: germline.

Labcorp Genetics (formerly Invitae), Labcorp
Classification: Uncertain significance for Woodhouse-Sakati syndrome. Last evaluated: 2023-06-29. Review status: criteria provided, single submitter. Criteria: Invitae Variant Classification Sherloc (09022015). Collection method: clinical testing. Allele origin: germline.
Comment: This sequence change replaces lysine, which is basic and polar, with asparagine, which is neutral and polar, at codon 48 of the DCAF17 protein (p.Lys48Asn). This variant is present in population databases (rs781747388, gnomAD 0.004%). In summary, the available evidence is currently insufficient to determine the role of this variant in disease. Therefore, it has been classified as a Variant of Uncertain Significance. Algorithms developed to predict the effect of sequence changes on RNA splicing suggest that this variant may create or strengthen a splice site. Advanced modeling of protein sequence and biophysical properties (such as structural, functional, and spatial information, amino acid conservation, physicochemical variation, residue mobility, and thermodynamic stability) performed at Invitae indicates that this missense variant is not expected to disrupt DCAF17 protein function. ClinVar contains an entry for this variant (Variation ID: 2060328). This variant has not been reported in the literature in individuals affected with DCAF17-related conditions.

NM_025000.4(DCAF17):c.144G>C (p.Lys48Asn)

Gene: DCAF17 (DDB1 and CUL4 associated factor 17; plus strand). Cytogenetic location: 2q31.1.
Variant type: single nucleotide variant.
Coding change: c.144G>C on transcript NM_025000.4 (MANE Select); coding-DNA position 144, G replaced by C.
Protein change: p.Lys48Asn; replaces lysine 48 with asparagine.
Molecular consequence: missense variant. On other transcripts: non-coding transcript variant (1).
Genome position (GRCh38, 1-based): chr2:171,435,100, G>C. VCF-style: chr2-171435100-G-C. GRCh37 (hg19) VCF-style: chr2-172291610-G-C.
Other names: c.144G>C, p.Lys48Asn (NM_001164821.2); c.144G>C (NM_025000.3); short protein forms K48N.
Identifiers: ClinVar variation 2060328 (VCV002060328.3), dbSNP rs781747388, ClinGen allele CA1964561.